The following is an entry in ClinVar:

ClinVar aggregate classification (germline): Likely benign (1 of 4 stars; one submission).

Allele frequency attached by ClinVar (database versions not stated): gnomAD exomes 0.00010; gnomAD 0.00029; 1000 Genomes Project 0.00060; TOPMed 0.00070; 1000 Genomes Project 30x 0.00078.
gnomAD v4.1: 75 of 398,642 alleles (0.019%); highest among the groups gnomAD compares: Admixed American, 0.24%; no homozygotes.

Submission:

CeGaT Center for Human Genetics Tuebingen
Classification: Likely benign. Last evaluated: 2022-11-01. Review status: criteria provided, single submitter. Criteria: CeGaT Center For Human Genetics Tuebingen Variant Classification Criteria Version 2. Collection method: clinical testing. Allele origin: germline. Affected: yes. Observed: 1 variant allele.
Comment: KCNQ2: BS1

NM_172107.4(KCNQ2):c.*5965A>G

Gene: KCNQ2 (potassium voltage-gated channel subfamily Q member 2; minus strand). Cytogenetic location: 20q13.33.
Variant type: single nucleotide variant.
Coding change: c.*5965A>G on transcript NM_172107.4 (MANE Select); 5965 bases downstream of the stop codon, A replaced by G.
Molecular consequence: 3 prime UTR variant.
Genome position (GRCh38, 1-based): chr20:63,400,679, T>C on the plus strand (A>G on the coding strand, the complement: KCNQ2 is on the minus strand). VCF-style: chr20-63400679-T-C. GRCh37 (hg19) VCF-style: chr20-62032032-T-C.
Other names: c.*5965A>G (NM_001382235.1, NM_004518.6, NM_172106.3 and 1 more transcripts).
Identifiers: ClinVar variation 2652527 (VCV002652527.24), dbSNP rs535256935, ClinGen allele CA317414803.